The following is an entry in ClinVar:

ClinVar aggregate classification (germline): Pathogenic/Likely pathogenic. Review status: criteria provided, multiple submitters, no conflicts (2 of 4 stars). 2 submissions from 2 submitters: Pathogenic (1); Likely pathogenic (1). Last evaluated 2025-09-12.

Conditions:
Autosomal recessive polycystic kidney disease (ARPKD). Also called: AR polycystic kidney disease. Identifiers: Orphanet 731, Orphanet 8378, MedGen C0085548, MeSH D017044, MONDO:0009889.

Submissions (2):

Natera, Inc.
Classification: Likely pathogenic for Autosomal recessive polycystic kidney disease. Last evaluated: 2025-09-12. Review status: criteria provided, single submitter. Criteria: Natera Variant Classification Schema (03/2026). Collection method: clinical testing. Allele origin: germline.
Comment: The c.525del variant in PKHD1 is a frameshift variant predicted to shift the reading frame beginning at codon 175 and leads to a stop codon 4 codons downstream. This variant is expected to result in nonsense mediated decay, truncation, or a dysfunctional protein product. This variant is rare in the general population with a frequency below the threshold expected for the associated phenotype(s). Given the available evidence, this variant is classified as Likely Pathogenic.

Labcorp Genetics (formerly Invitae), Labcorp
Classification: Pathogenic for Autosomal recessive polycystic kidney disease. Last evaluated: 2019-12-15. Review status: criteria provided, single submitter. Criteria: Invitae Variant Classification Sherloc (09022015). Collection method: clinical testing. Allele origin: germline.
Comment: This variant has not been reported in the literature in individuals with PKHD1-related conditions. For these reasons, this variant has been classified as Pathogenic. Loss-of-function variants in PKHD1 are known to be pathogenic (PMID: 19940839). This variant is not present in population databases (ExAC no frequency). This sequence change creates a premature translational stop signal (p.Asp175Glufs*4) in the PKHD1 gene. It is expected to result in an absent or disrupted protein product.

Literature cited by the submitters: PubMed 19940839 (cited by Labcorp Genetics (formerly Invitae), Labcorp).

NM_138694.4(PKHD1):c.525del (p.Asp175fs)

Gene: PKHD1 (PKHD1 ciliary IPT domain containing fibrocystin/polyductin; minus strand). Cytogenetic location: 6p12.2.
Variant type: Deletion.
Coding change: c.525del on transcript NM_138694.4 (MANE Select); coding-DNA position 525, one base deleted (T; older notation c.525delT).
Protein change: p.Asp175fs; shifts the reading frame from aspartic acid 175.
Molecular consequence: frameshift variant.
Genome position (GRCh38, 1-based): chr6:52,073,465, A deleted on the plus strand (T on the coding strand, the reverse complement: PKHD1 is on the minus strand). VCF-style (leftmost placement, unchanged base first): chr6-52073464-TA-T. GRCh37 (hg19) VCF-style: chr6-51938262-TA-T.
Other names: c.525del, p.Asp175fs (NM_170724.3); short protein forms D175fs.
Identifiers: ClinVar variation 844269 (VCV000844269.10), dbSNP rs1810924520, ClinGen allele CA916082838.